The following is an entry in ClinVar:

ClinVar aggregate classification (germline): Uncertain significance (1 of 4 stars; one submission).

Conditions:
Hereditary sensory and autonomic neuropathy type 6. Also called: HSAN VI; Neuropathy, hereditary sensory and autonomic, type VI. Identifiers: Orphanet 314381, MedGen C3539003, MONDO:0013839, OMIM 614653.
Epidermolysis bullosa simplex 3, localized or generalized intermediate, with BP230 deficiency (EBS3). Also called: Epidermolysis bullosa simplex due to BP230 deficiency; Epidermolysis bullosa simplex, autosomal recessive 2. Identifiers: Orphanet 412181, MedGen C3809470, MONDO:0014180, OMIM 615425.

gnomAD v4.1: 2 of 1,612,414 alleles (0.00012%); highest among the groups gnomAD compares: Non-Finnish European, 0.00017%; no homozygotes.

Submission:

Labcorp Genetics (formerly Invitae), Labcorp
Classification: Uncertain significance for Epidermolysis bullosa simplex 3, localized or generalized intermediate, with BP230 deficiency; Hereditary sensory and autonomic neuropathy type 6. Last evaluated: 2021-08-20. Review status: criteria provided, single submitter. Criteria: Invitae Variant Classification Sherloc (09022015). Collection method: clinical testing. Allele origin: germline.
Comment: This sequence change replaces lysine with threonine at codon 2150 of the DST protein (p.Lys2150Thr). The lysine residue is weakly conserved and there is a moderate physicochemical difference between lysine and threonine. This variant is not present in population databases (ExAC no frequency). This variant has not been reported in the literature in individuals affected with DST-related conditions. Algorithms developed to predict the effect of missense changes on protein structure and function (SIFT, PolyPhen-2, Align-GVGD) all suggest that this variant is likely to be tolerated. In summary, the available evidence is currently insufficient to determine the role of this variant in disease. Therefore, it has been classified as a Variant of Uncertain Significance.

NM_001723.7(DST):c.6449A>C (p.Lys2150Thr)

Gene: DST (dystonin; minus strand). Cytogenetic location: 6p12.1.
Variant type: single nucleotide variant.
Coding change: c.6449A>C on transcript NM_001723.7 (MANE Plus Clinical); coding-DNA position 6449, A replaced by C.
Protein change: p.Lys2150Thr; replaces lysine 2150 with threonine.
Molecular consequence: missense variant. On other transcripts: intron variant (10).
Genome position (GRCh38, 1-based): chr6:56,617,018, T>G on the plus strand (A>C on the coding strand, the complement: DST is on the minus strand). VCF-style: chr6-56617018-T-G. GRCh37 (hg19) VCF-style: chr6-56481816-T-G.
Other names: c.4831-2534A>C (NM_001144769.5); c.4930-2534A>C (NM_001374722.1, NM_001374736.1); c.4957-2534A>C (NM_001374734.1); c.4417-2534A>C (NM_001144770.2); c.4297-2534A>C (NM_001374730.1, NM_001386100.1, NM_183380.4 and 1 more transcripts); c.3319-2534A>C (NM_015548.5); short protein forms K2150T.
Identifiers: ClinVar variation 1060363 (VCV001060363.6), dbSNP rs755587547, ClinGen allele CA364565120.